The following is an entry in ClinVar:

ClinVar aggregate classification (germline): Benign (0 of 4 stars; one submission).

Conditions:
DNAH17-related disorder. Also called: DNAH17-related condition.

Allele frequency attached by ClinVar (database versions not stated): ESP Exome Variant Server 0.00436; gnomAD 0.00476; 1000 Genomes Project 0.00819; 1000 Genomes Project 30x 0.00874.
gnomAD v4.1: 1,418 of 1,608,150 alleles (0.088%); highest among the groups gnomAD compares: African/African-American, 1.6%; 13 homozygotes.

Submission:

PreventionGenetics, part of Exact Sciences
Classification: Benign for DNAH17-related condition. Last evaluated: 2019-06-06. Review status: no assertion criteria provided. Collection method: clinical testing. Allele origin: germline.
Comment: This variant is classified as benign based on ACMG/AMP sequence variant interpretation guidelines (Richards et al. 2015 PMID: 25741868, with internal and published modifications).

NM_173628.4(DNAH17):c.6801C>T (p.Ala2267=)

Genes: DNAH17 (dynein axonemal heavy chain 17; minus strand), DNAH17-AS1 (DNAH17 antisense RNA 1; plus strand). Cytogenetic location: 17q25.3.
Variant type: single nucleotide variant.
Coding change: c.6801C>T on transcript NM_173628.4 (MANE Select); coding-DNA position 6801, C replaced by T.
Protein change: p.Ala2267=; no amino-acid change (alanine 2267 retained).
Molecular consequence: synonymous variant.
Genome position (GRCh38, 1-based): chr17:78,490,716, G>A on the plus strand (C>T on the coding strand, the complement: DNAH17 is on the minus strand). VCF-style: chr17-78490716-G-A. GRCh37 (hg19) VCF-style: chr17-76486798-G-A.
Identifiers: ClinVar variation 3044026 (VCV003044026.2), dbSNP rs61741536, ClinGen allele CA8802599.